The following is an entry in ClinVar:

NM_000207.3(INS):c.188-17G>A

Genes: INS (insulin; minus strand), INS-IGF2 (INS-IGF2 readthrough; minus strand). Cytogenetic location: 11p15.5.
Variant type: single nucleotide variant.
Coding change: c.188-17G>A on transcript NM_000207.3 (MANE Select); 17 bases into the intron before coding-DNA position 188, G replaced by A.
Molecular consequence: intron variant.
Genome position (GRCh38, 1-based): chr11:2,160,014, C>T on the plus strand (G>A on the coding strand, the complement: INS is on the minus strand). VCF-style: chr11-2160014-C-T. GRCh37 (hg19) VCF-style: chr11-2181244-C-T.
Other names: c.187+771G>A (NM_001042376.3); c.188-17G>A (NM_001185097.2, NM_001291897.2, NM_001185098.2).
Identifiers: ClinVar variation 3020391 (VCV003020391.5), dbSNP rs370792256, ClinGen allele CA5818149.

ClinVar aggregate classification (germline): Likely benign. Review status: criteria provided, single submitter (1 of 4 stars). 2 submissions from 2 submitters: Likely benign (1). 1 of the submissions does not count toward it. Last evaluated 2025-03-30.

Conditions:
INS-related disorder. Also called: INS-related condition.

Allele frequency attached by ClinVar (database versions not stated): TOPMed 0.00018; ExAC 0.00021; 1000 Genomes Project 30x 0.00031; gnomAD 0.00016; 1000 Genomes Project 0.00020; ESP Exome Variant Server 0.00031.
gnomAD v4.1: 98 of 1,571,756 alleles (0.0062%); highest among the groups gnomAD compares: African/African-American, 0.027%; no homozygotes.

Submissions (2):

Labcorp Genetics (formerly Invitae), Labcorp
Classification: Likely benign. Last evaluated: 2025-03-30. Review status: criteria provided, single submitter. Criteria: Invitae Variant Classification Sherloc (09022015). Collection method: clinical testing. Allele origin: germline.

PreventionGenetics, part of Exact Sciences
Classification: Likely benign for INS-related condition. Last evaluated: 2020-08-25. Review status: no assertion criteria provided. Collection method: clinical testing. Allele origin: germline. Not counted in ClinVar's aggregate classification.
Comment: This variant is classified as likely benign based on ACMG/AMP sequence variant interpretation guidelines (Richards et al. 2015 PMID: 25741868, with internal and published modifications).